The following is an entry in ClinVar:

NM_153240.5(NPHP3):c.161G>A (p.Gly54Glu)

Genes: NPHP3 (nephrocystin 3; minus strand), NPHP3-AS1 (NPHP3 antisense RNA 1; plus strand), NPHP3-ACAD11 (NPHP3-ACAD11 readthrough (NMD candidate); minus strand), LOC129937586 (ATAC-STARR-seq lymphoblastoid silent region 14743; plus strand). Cytogenetic location: 3q22.1.
Variant type: single nucleotide variant.
Coding change: c.161G>A on transcript NM_153240.5 (MANE Select); coding-DNA position 161, G replaced by A.
Protein change: p.Gly54Glu; replaces glycine 54 with glutamic acid.
Molecular consequence: missense variant. On other transcripts: non-coding transcript variant (3).
Genome position (GRCh38, 1-based): chr3:132,722,195, C>T on the plus strand (G>A on the coding strand, the complement: NPHP3 is on the minus strand). VCF-style: chr3-132722195-C-T. GRCh37 (hg19) VCF-style: chr3-132441039-C-T.
Other names: short protein forms G54E.
Identifiers: ClinVar variation 1057389 (VCV001057389.10), dbSNP rs1281178184, ClinGen allele CA354589567.

ClinVar aggregate classification (germline): Uncertain significance. Review status: criteria provided, multiple submitters, no conflicts (2 of 4 stars). 2 submissions from 2 submitters: Uncertain significance (2). Last evaluated 2022-03-09.

Conditions:
Nephronophthisis. Also called: Juvenile Nephronophthisis. Identifiers: Orphanet 655, MedGen C0687120, MONDO:0019005, HP:0000090.
Nephronophthisis 3 (NPHP3). Also called: Adolescent nephronophthisis. Identifiers: Orphanet 655, MedGen C1858392, MONDO:0011456, OMIM 604387.
NPHP3-related Meckel-like syndrome. Also called: GOLDSTON SYNDROME; Meckel syndrome type 7. Identifiers: Orphanet 3032, MedGen C2673885, MONDO:0009966, OMIM 267010.
Renal-hepatic-pancreatic dysplasia 1 (RHPD1). Identifiers: MedGen C3715199, MONDO:0008833, OMIM 208540.

Allele frequency attached by ClinVar (database versions not stated): gnomAD exomes below 0.00001; TOPMed below 0.00001.
gnomAD v4.1: 1 of 1,507,304 alleles (0.000066%); highest among the groups gnomAD compares: Non-Finnish European, 0.000088%; no homozygotes.

Submissions (2):

Labcorp Genetics (formerly Invitae), Labcorp
Classification: Uncertain significance for Nephronophthisis. Last evaluated: 2022-03-09. Review status: criteria provided, single submitter. Criteria: Invitae Variant Classification Sherloc (09022015). Collection method: clinical testing. Allele origin: germline.
Comment: This variant has not been reported in the literature in individuals affected with NPHP3-related conditions. In summary, the available evidence is currently insufficient to determine the role of this variant in disease. Therefore, it has been classified as a Variant of Uncertain Significance. Algorithms developed to predict the effect of missense changes on protein structure and function are either unavailable or do not agree on the potential impact of this missense change (SIFT: "Deleterious"; PolyPhen-2: "Benign"; Align-GVGD: "Class C0"). ClinVar contains an entry for this variant (Variation ID: 1057389). This variant is not present in population databases (gnomAD no frequency). This sequence change replaces glycine, which is neutral and non-polar, with glutamic acid, which is acidic and polar, at codon 54 of the NPHP3 protein (p.Gly54Glu).

Fulgent Genetics
Classification: Uncertain significance for Renal-hepatic-pancreatic dysplasia 1; NPHP3-related Meckel-like syndrome; Nephronophthisis 3. Last evaluated: 2022-02-25. Review status: criteria provided, single submitter. Criteria: ACMG Guidelines, 2015. Collection method: clinical testing. Allele origin: unknown.